The following is an entry in ClinVar:

ClinVar aggregate classification (germline): Conflicting classifications of pathogenicity. Review status: criteria provided, conflicting classifications (1 of 4 stars). 5 submissions from 5 submitters: Uncertain significance (3); Likely benign (1). 1 of the submissions does not count toward it. Last evaluated 2025-08-14.

Conditions:
KCNH1-related disorder. Also called: KCNH1-related disorders; KCNH1-related condition.
Inborn genetic diseases. Identifiers: MedGen C0950123, MeSH D030342.

Allele frequency attached by ClinVar (database versions not stated): TOPMed 0.00003; ExAC 0.00004; gnomAD exomes 0.00004.
gnomAD v4.1: 66 of 1,614,062 alleles (0.0041%); highest among the groups gnomAD compares: Middle Eastern, 0.033%; no homozygotes.

Submissions (5):

Ambry Genetics
Classification: Likely benign for Inborn genetic diseases. Last evaluated: 2025-08-14. Review status: criteria provided, single submitter. Criteria: Ambry Variant Classification Scheme 2023. Collection method: clinical testing. Allele origin: germline.

Labcorp Genetics (formerly Invitae), Labcorp
Classification: Uncertain significance. Last evaluated: 2025-07-08. Review status: criteria provided, single submitter. Criteria: Invitae Variant Classification Sherloc (09022015). Collection method: clinical testing. Allele origin: germline.
Comment: This sequence change replaces alanine, which is neutral and non-polar, with valine, which is neutral and non-polar, at codon 868 of the KCNH1 protein (p.Ala868Val). This variant is present in population databases (rs773735492, gnomAD 0.01%). This variant has not been reported in the literature in individuals affected with KCNH1-related conditions. ClinVar contains an entry for this variant (Variation ID: 807913). Invitae Evidence Modeling of protein sequence and biophysical properties (such as structural, functional, and spatial information, amino acid conservation, physicochemical variation, residue mobility, and thermodynamic stability) indicates that this missense variant is not expected to disrupt KCNH1 protein function with a negative predictive value of 95%. In summary, the available evidence is currently insufficient to determine the role of this variant in disease. Therefore, it has been classified as a Variant of Uncertain Significance.

Blueprint Genetics
Classification: Uncertain significance. Last evaluated: 2024-03-22. Review status: criteria provided, single submitter. Criteria: ACMG Guidelines, 2015. Collection method: clinical testing. Allele origin: germline.

CeGaT Center for Human Genetics Tuebingen
Classification: Uncertain significance. Last evaluated: 2019-11-01. Review status: criteria provided, single submitter. Criteria: CeGaT Center For Human Genetics Tuebingen Variant Classification Criteria Version 2. Collection method: clinical testing. Allele origin: germline. Affected: yes. Observed: 1 variant allele.

PreventionGenetics, part of Exact Sciences
Classification: Uncertain significance for KCNH1-related condition. Last evaluated: 2024-08-21. Review status: no assertion criteria provided. Collection method: clinical testing. Allele origin: germline. Not counted in ClinVar's aggregate classification.
Comment: The KCNH1 c.2603C>T variant is predicted to result in the amino acid substitution p.Ala868Val. To our knowledge, this variant has not been reported in the literature. This variant is reported in 0.0098% of alleles in individuals of South Asian descent in gnomAD. At this time, the clinical significance of this variant is uncertain due to the absence of conclusive functional and genetic evidence.

NM_172362.3(KCNH1):c.2603C>T (p.Ala868Val)

Gene: KCNH1 (potassium voltage-gated channel subfamily H member 1; minus strand). Cytogenetic location: 1q32.2.
Variant type: single nucleotide variant.
Coding change: c.2603C>T on transcript NM_172362.3 (MANE Select); coding-DNA position 2603, C replaced by T.
Protein change: p.Ala868Val; replaces alanine 868 with valine.
Molecular consequence: missense variant.
Genome position (GRCh38, 1-based): chr1:210,683,648, G>A on the plus strand (C>T on the coding strand, the complement: KCNH1 is on the minus strand). VCF-style: chr1-210683648-G-A. GRCh37 (hg19) VCF-style: chr1-210856990-G-A.
Other names: c.2522C>T, p.Ala841Val (NM_002238.4); c.2603C>T (NM_172362.2); short protein forms A841V, A868V.
Identifiers: ClinVar variation 807913 (VCV000807913.49), dbSNP rs773735492, ClinGen allele CA1379625.